The following is an entry in ClinVar:

NM_001037.5(SCN1B):c.*377C>T

Gene: SCN1B (sodium voltage-gated channel beta subunit 1; plus strand). Cytogenetic location: 19q13.11.
Variant type: single nucleotide variant.
Coding change: c.*377C>T on transcript NM_001037.5 (MANE Select); 377 bases downstream of the stop codon, C replaced by T.
Molecular consequence: 3 prime UTR variant.
Genome position (GRCh38, 1-based): chr19:35,040,168, C>T. VCF-style: chr19-35040168-C-T. GRCh37 (hg19) VCF-style: chr19-35531072-C-T.
Other names: c.*377C>T (NM_001321605.2).
Identifiers: ClinVar variation 889375 (VCV000889375.4), dbSNP rs376707835, ClinGen allele CA307708262.

ClinVar aggregate classification (germline): Conflicting classifications of pathogenicity. Review status: criteria provided, conflicting classifications (1 of 4 stars). 2 submissions from 1 submitter: Uncertain significance (1); Benign (1). Last evaluated 2018-01-13.

Conditions:
Brugada syndrome 5 (BRGDA5). Identifiers: Orphanet 130, Orphanet 871, MedGen C2748541, MONDO:0013015, OMIM 612838.
Generalized epilepsy with febrile seizures plus, type 1 (GEFSP1). Also called: GEFS+, TYPE 1. Identifiers: Orphanet 36387, MedGen C1858672, MONDO:0011416, OMIM 604233.

Allele frequency attached by ClinVar (database versions not stated): gnomAD 0.00021 and 0.00029; gnomAD exomes 0.00036; TOPMed 0.00047; 1000 Genomes Project 0.00100.
gnomAD v4.1: 50 of 172,616 alleles (0.029%); highest among the groups gnomAD compares: East Asian, 0.69%; 2 homozygotes.

Submissions (2):

Illumina Laboratory Services, Illumina
Classification: Uncertain significance for Generalized epilepsy with febrile seizures plus, type 1. Last evaluated: 2018-01-13. Review status: criteria provided, single submitter. Criteria: ICSL Variant Classification Criteria 13 December 2019. Collection method: clinical testing. Allele origin: germline.

Illumina Laboratory Services, Illumina
Classification: Benign for Brugada syndrome 5. Last evaluated: 2018-01-13. Review status: criteria provided, single submitter. Criteria: ICSL Variant Classification Criteria 13 December 2019. Collection method: clinical testing. Allele origin: germline.
Comment: This variant was observed in the ICSL laboratory as part of a predisposition screen in an ostensibly healthy population. It had not been previously curated by ICSL or reported in the Human Gene Mutation Database (HGMD: prior to June 1st, 2018), and was therefore a candidate for classification through an automated scoring system. Utilizing variant allele frequency, disease prevalence and penetrance estimates, and inheritance mode, an automated score was calculated to assess if this variant is too frequent to cause the disease. Based on the score and internal cut-off values, a variant classified as benign is not then subjected to further curation. The score for this variant resulted in a classification of benign for this disease.